The following is an entry in ClinVar:

NM_007294.4(BRCA1):c.1444_1447del (p.Leu481_Ile482insTer)

Gene: BRCA1 (BRCA1 DNA repair associated; minus strand). Cytogenetic location: 17q21.31.
Variant type: Deletion.
Coding change: c.1444_1447del on transcript NM_007294.4 (MANE Select); coding-DNA positions 1444 to 1447, 4 bases deleted (ATTA; older notation c.1444_1447delATTA).
Protein change: p.Leu481_Ile482insTer.
Molecular consequence: nonsense. On other transcripts: frameshift variant (1), intron variant (137).
Genome position (GRCh38, 1-based): chr17:43,094,084-43,094,087, TAAT deleted on the plus strand (ATTA on the coding strand, the reverse complement: BRCA1 is on the minus strand); deleting any 4 consecutive bases within chr17:43,094,084-43,094,089 gives the same sequence; the c. name uses the placement nearest the transcript's 3' end. VCF-style (leftmost placement, unchanged base first): chr17-43094083-ATAAT-A. GRCh37 (hg19) VCF-style: chr17-41246100-ATAAT-A.
Other names: 1563del4; c.1444_1447delATTA (NM_007294.3); c.787+657_787+660del (NM_001407981.1, NM_007298.4, NM_001407978.1 and 19 more transcripts); c.643+657_643+660del (NM_001408462.1, NM_001408470.1, NM_001408464.1 and 3 more transcripts); c.709+657_709+660del (NM_001408414.1, NM_001408411.1, NM_001408415.1 and 2 more transcripts); c.577+657_577+660del (NM_001408514.1, NM_001408485.1, NM_001408483.1 and 9 more transcripts); c.661+657_661+660del (NM_001408447.1, NM_001408433.1, NM_001408446.1 and 6 more transcripts); c.784+657_784+660del (NM_001408400.1, NM_001408392.1, NM_001407986.1 and 13 more transcripts); and 42 more.
Identifiers: ClinVar variation 37413 (VCV000037413.20), dbSNP rs80357801, ClinGen allele CA000965.

ClinVar aggregate classification (germline): Pathogenic. Review status: reviewed by expert panel (3 of 4 stars). 8 submissions from 8 submitters: Pathogenic (1). 7 of the submissions do not count toward it. Last evaluated 2016-09-08.

Conditions:
Hereditary cancer-predisposing syndrome. Also called: Tumor predisposition; Neoplastic Syndromes, Hereditary; Hereditary Cancer Syndrome; Hereditary neoplastic syndrome. Identifiers: Orphanet 140162, MedGen C0027672, MeSH D009386, MONDO:0015356.
Hereditary breast ovarian cancer syndrome. Also called: Hereditary breast and ovarian cancer syndrome (HBOC); Hereditary breast and ovarian cancer syndrome; Hereditary breast and ovarian cancer; Hereditary breast and/or ovarian cancer syndrome; Breast and ovarian cancer; BRCA1- and BRCA2-Associated Hereditary Breast and Ovarian Cancer. Identifiers: Orphanet 145, MedGen C0677776, MeSH D061325, MONDO:0003582. Disease mechanism: loss of function.
Breast-ovarian cancer, familial, susceptibility to, 1 (BROVCA1). Also called: OVARIAN CANCER, SUSCEPTIBILITY TO; BRCA1 Hereditary Breast and Ovarian Cancer. Identifiers: Orphanet 145, MedGen C2676676, MONDO:0011450, OMIM 604370. Disease mechanism: loss of function.

Submissions (8):

Evidence-based Network for the Interpretation of Germline Mutant Alleles (ENIGMA)
Classification: Pathogenic for Breast-ovarian cancer, familial, susceptibility to, 1. Last evaluated: 2016-09-08. Review status: reviewed by expert panel. Criteria: ENIGMA BRCA1/2 Classification Criteria (2015). Collection method: curation. Allele origin: germline.
Comment: Variant allele predicted to encode a truncated non-functional protein.

Ambry Genetics
Classification: Pathogenic for Hereditary cancer-predisposing syndrome. Last evaluated: 2023-11-10. Review status: criteria provided, single submitter. Criteria: Ambry Variant Classification Scheme 2023. Collection method: clinical testing. Allele origin: germline. Not counted in ClinVar's aggregate classification.
Comment: The c.1444_1447delATTA pathogenic mutation, located in coding exon 9 of the BRCA1 gene, results from a deletion of 4 nucleotides at nucleotide positions 1444 to 1447, causing a translational frameshift with a predicted alternate stop codon (p.I482*). This variant is considered to be rare based on population cohorts in the Genome Aggregation Database (gnomAD). In addition to the clinical data presented in the literature, this alteration is expected to result in loss of function by premature protein truncation or nonsense-mediated mRNA decay. As such, this alteration is interpreted as a disease-causing mutation.

Color Diagnostics, LLC DBA Color Health
Classification: Pathogenic for Hereditary cancer-predisposing syndrome. Last evaluated: 2020-12-28. Review status: criteria provided, single submitter. Criteria: ACMG Guidelines, 2015. Collection method: clinical testing. Allele origin: germline. Not counted in ClinVar's aggregate classification.
Comment: This variant deletes 4 nucleotides in exon 10 of the BRCA1 gene, creating a frameshift and premature translation stop signal. This variant is expected to result in an absent or non-functional protein product. This variant has been observed in individuals and families affected with breast and ovarian cancer (PMID: 9510469, 24549055, 27616075). This variant has not been identified in the general population by the Genome Aggregation Database (gnomAD). Loss of BRCA1 function is a known mechanism of disease. Based on the available evidence, this variant is classified as Pathogenic.

Consortium of Investigators of Modifiers of BRCA1/2 (CIMBA), c/o University of Cambridge
Classification: Pathogenic for Breast-ovarian cancer, familial, susceptibility to, 1. Last evaluated: 2015-10-02. Review status: criteria provided, single submitter. Criteria: CIMBA Mutation Classification guidelines May 2016. Collection method: clinical testing. Allele origin: germline. Not counted in ClinVar's aggregate classification.

Labcorp Genetics (formerly Invitae), Labcorp
Classification: Pathogenic for Hereditary breast ovarian cancer syndrome. Last evaluated: 2015-02-10. Review status: criteria provided, single submitter. Criteria: Invitae Variant Classification Sherloc (09022015). Collection method: clinical testing. Allele origin: germline. Not counted in ClinVar's aggregate classification.
Comment: This sequence change deletes 4 nucleotides from exon 10 of the BRCA1 mRNA (c.1444_1447delATTA), causing a frameshift at codon 482. This creates a premature translational stop signal (p.Ile482*) and is expected to result in an absent or disrupted protein product. This variant has been reported in the literature and is not currently found in any individuals from the population databases (rs80357801, no frequency). For these reasons, this variant has been classified as Pathogenic. ClinVar contains an entry for this variant (RCV000030994). This variant has been reported in an individual with breast cancer (PMID: 9510469).

Counsyl
Classification: Pathogenic for Breast-ovarian cancer, familial, susceptibility to, 1. Last evaluated: 2017-05-12. Review status: no assertion criteria provided. Collection method: clinical testing. Allele origin: unknown. Not counted in ClinVar's aggregate classification.

Sharing Clinical Reports Project (SCRP)
Classification: Pathogenic for Breast-ovarian cancer, familial 1. Last evaluated: 2006-11-15. Review status: no assertion criteria provided. Collection method: clinical testing. Allele origin: germline. Not counted in ClinVar's aggregate classification.

Breast Cancer Information Core (BIC) (BRCA1)
Classification: Pathogenic for Breast-ovarian cancer, familial 1. Last evaluated: 1999-12-30. Review status: no assertion criteria provided. Collection method: clinical testing. Allele origin: germline. Affected: yes. Observed: 1 variant allele. Not counted in ClinVar's aggregate classification.

Literature cited by the submitters: PubMed 9510469 (cited by 3 submitters); PubMed 27616075 (cited by Counsyl); PubMed 24549055 (cited by Counsyl).